The following is an entry in ClinVar:

NM_000368.5(TSC1):c.1933C>T (p.Pro645Ser)

Gene: TSC1 (TSC complex subunit 1; minus strand). Cytogenetic location: 9q34.13.
Variant type: single nucleotide variant.
Coding change: c.1933C>T on transcript NM_000368.5 (MANE Select); coding-DNA position 1933, C replaced by T.
Protein change: p.Pro645Ser; replaces proline 645 with serine.
Molecular consequence: missense variant.
Genome position (GRCh38, 1-based): chr9:132,905,645, G>A on the plus strand (C>T on the coding strand, the complement: TSC1 is on the minus strand). VCF-style: chr9-132905645-G-A. GRCh37 (hg19) VCF-style: chr9-135781032-G-A.
Other names: c.1930C>T, p.Pro644Ser (NM_001162426.2, NM_001406597.1, NM_001406598.1 and 6 more transcripts); c.1780C>T, p.Pro594Ser (NM_001162427.2, NM_001406610.1); c.1570C>T, p.Pro524Ser (NM_001362177.2, NM_001406624.1, NM_001406614.1 and 5 more transcripts); c.1933C>T, p.Pro645Ser (NM_001406592.1, NM_001406593.1, NM_001406594.1 and 7 more transcripts); c.1777C>T, p.Pro593Ser (NM_001406611.1, NM_001406612.1, NM_001406613.1); c.1567C>T, p.Pro523Ser (NM_001406622.1, NM_001406623.1, NM_001406625.1 and 2 more transcripts); c.982C>T, p.Pro328Ser (NM_001406626.1); c.979C>T, p.Pro327Ser (NM_001406627.1, NM_001406628.1); and 1 more; short protein forms P524S, P644S, P645S, P327S, P523S, P593S, P594S, P294S.
Identifiers: ClinVar variation 2082991 (VCV002082991.4), dbSNP rs2131811905, ClinGen allele CA375362596.

ClinVar aggregate classification (germline): Uncertain significance (1 of 4 stars; one submission).

Conditions:
Tuberous sclerosis 1 (TSC1). Identifiers: Orphanet 805, MedGen C1854465, MONDO:0008612, OMIM 191100.

Submission:

Labcorp Genetics (formerly Invitae), Labcorp
Classification: Uncertain significance for Tuberous sclerosis 1. Last evaluated: 2022-01-15. Review status: criteria provided, single submitter. Criteria: Invitae Variant Classification Sherloc (09022015). Collection method: clinical testing. Allele origin: germline.
Comment: This sequence change replaces proline, which is neutral and non-polar, with serine, which is neutral and polar, at codon 645 of the TSC1 protein (p.Pro645Ser). In summary, the available evidence is currently insufficient to determine the role of this variant in disease. Therefore, it has been classified as a Variant of Uncertain Significance. Algorithms developed to predict the effect of missense changes on protein structure and function are either unavailable or do not agree on the potential impact of this missense change (SIFT: "Deleterious"; PolyPhen-2: "Probably Damaging"; Align-GVGD: "Class C0"). This variant has not been reported in the literature in individuals affected with TSC1-related conditions. This variant is not present in population databases (gnomAD no frequency).